The following is an entry in ClinVar:

NM_057175.5(NAA15):c.1549G>T (p.Glu517Ter)

Gene: NAA15 (N-alpha-acetyltransferase 15, NatA auxiliary subunit; plus strand). Cytogenetic location: 4q31.1.
Variant type: single nucleotide variant.
Coding change: c.1549G>T on transcript NM_057175.5 (MANE Select); coding-DNA position 1549, G replaced by T.
Protein change: p.Glu517Ter; replaces glutamic acid 517 with a stop codon.
Molecular consequence: nonsense.
Genome position (GRCh38, 1-based): chr4:139,361,733, G>T. VCF-style: chr4-139361733-G-T. GRCh37 (hg19) VCF-style: chr4-140282887-G-T.
Other names: c.1549G>T, p.Glu517Ter (NM_001410842.1); short protein forms E517*.
Identifiers: ClinVar variation 3724373 (VCV003724373.2).
Genomic context (GRCh38, chr4:139,361,733, plus strand): 5'-TCTTAGCCATTGCTGTACTTCGGTATAATAATAAAAAGATAATTTTGTTAGCATTTTATA[G>T]AAATCACTGATGACCAGTTTGACTTTCATACATACTGTATGAGGAAGATTACCCTTAGAT-3'

ClinVar aggregate classification (germline): Pathogenic (1 of 4 stars; one submission).

Submission:

Labcorp Genetics (formerly Invitae), Labcorp
Classification: Pathogenic. Last evaluated: 2024-10-31. Review status: criteria provided, single submitter. Criteria: Invitae Variant Classification Sherloc (09022015). Collection method: clinical testing. Allele origin: germline.
Comment: This sequence change creates a premature translational stop signal (p.Glu517*) in the NAA15 gene. It is expected to result in an absent or disrupted protein product. Loss-of-function variants in NAA15 are known to be pathogenic (PMID: 28191889, 29656860). This variant is not present in population databases (gnomAD no frequency). This variant has not been reported in the literature in individuals affected with NAA15-related conditions. Algorithms developed to predict the effect of sequence changes on RNA splicing suggest that this variant may disrupt the consensus splice site. For these reasons, this variant has been classified as Pathogenic.

Literature cited by the submitters: PubMed 28191889; PubMed 29656860.